The following is an entry in ClinVar:

NM_006767.4(LZTR1):c.27G>T (p.Gly9=)

Genes: LZTR1 (leucine zipper like post translational regulator 1; plus strand), LOC130067016 (ATAC-STARR-seq lymphoblastoid silent region 13504; plus strand). Cytogenetic location: 22q11.21.
Variant type: single nucleotide variant.
Coding change: c.27G>T on transcript NM_006767.4 (MANE Select); coding-DNA position 27, G replaced by T.
Protein change: p.Gly9=; no amino-acid change (glycine 9 retained).
Molecular consequence: synonymous variant.
Genome position (GRCh38, 1-based): chr22:20,982,398, G>T. VCF-style: chr22-20982398-G-T. GRCh37 (hg19) VCF-style: chr22-21336687-G-T.
Other names: c.27G>T (NM_006767.3).
Identifiers: ClinVar variation 3769435 (VCV003769435.3).

ClinVar aggregate classification (germline): Conflicting classifications of pathogenicity. Review status: criteria provided, conflicting classifications (1 of 4 stars). 2 submissions from 2 submitters: Uncertain significance (1); Likely benign (1). Last evaluated 2025-03-30.

Conditions:
Cardiovascular phenotype. Identifiers: MedGen CN230736.
Hereditary cancer-predisposing syndrome. Also called: Neoplastic Syndromes, Hereditary; Tumor predisposition; Hereditary Cancer Syndrome; Hereditary neoplastic syndrome. Identifiers: Orphanet 140162, MedGen C0027672, MeSH D009386, MONDO:0015356.

Submissions (2):

Ambry Genetics
Classification: Likely benign for Cardiovascular phenotype; Hereditary cancer-predisposing syndrome. Last evaluated: 2025-03-30. Review status: criteria provided, single submitter. Criteria: Ambry Variant Classification Scheme 2023. Collection method: clinical testing. Allele origin: germline.

Women's Health and Genetics/Laboratory Corporation of America, LabCorp
Classification: Uncertain significance. Last evaluated: 2025-01-24. Review status: criteria provided, single submitter. Criteria: LabCorp Variant Classification Summary - May 2015. Collection method: clinical testing. Allele origin: germline.
Comment: Variant summary: LZTR1 c.27G>T alters a non-conserved nucleotide resulting in a synonymous change. Several computational tools predict a significant impact on normal splicing: Two predict the variant creates a cryptic 5' donor site. However, these predictions have yet to be confirmed by functional studies. The variant was absent in 163806 control chromosomes (gnomAD). The available data on variant occurrences in the general population are insufficient to allow any conclusion about variant significance. To our knowledge, no occurrence of c.27G>T in individuals affected with LZTR1-related conditions and no experimental evidence demonstrating its impact on protein function have been reported. No submitters have cited clinical-significance assessments for this variant to ClinVar. Based on the evidence outlined above, the variant was classified as uncertain significance.